The following is an entry in ClinVar:

ClinVar aggregate classification (germline): Uncertain significance. Review status: criteria provided, multiple submitters, no conflicts (2 of 4 stars). 2 submissions from 2 submitters: Uncertain significance (2). Last evaluated 2022-05-19.

Allele frequency attached by ClinVar (database versions not stated): TOPMed below 0.00001; gnomAD 0.00001; ExAC 0.00003.
gnomAD v4.1: 19 of 1,611,956 alleles (0.0012%); highest among the groups gnomAD compares: Admixed American, 0.0084%; no homozygotes.

Submissions (2):

Women's Health and Genetics/Laboratory Corporation of America, LabCorp
Classification: Uncertain significance. Last evaluated: 2022-05-19. Review status: criteria provided, single submitter. Criteria: LabCorp Variant Classification Summary - May 2015. Collection method: clinical testing. Allele origin: germline.
Comment: Variant summary: TTN c.17375A>T (p.Asp5792Val) results in a non-conservative amino acid change located in the I-band region of the encoded protein sequence. Two of five in-silico tools predict a damaging effect of the variant on protein function. The variant allele was found at a frequency of 2e-05 in 247398 control chromosomes (gnomAD). The available data on variant occurrences in the general population are insufficient to allow any conclusion about variant significance. To our knowledge, no occurrence of c.17375A>T in individuals affected with Limb-Girdle Muscular Dystrophy, Type 2J and no experimental evidence demonstrating its impact on protein function have been reported. No clinical diagnostic laboratories have submitted clinical-significance assessments for this variant to ClinVar after 2014. Based on the evidence outlined above, the variant was classified as uncertain significance.

Revvity Omics, Revvity
Classification: Uncertain significance. Last evaluated: 2019-04-02. Review status: criteria provided, single submitter. Criteria: ACMG Guidelines, 2015. Collection method: clinical testing. Allele origin: germline.

NM_001267550.2(TTN):c.21107A>T (p.Asp7036Val)

Genes: TTN (titin; minus strand), LOC126806428 (BRD4-independent group 4 enhancer GRCh37_chr2:179588362-179589561; plus strand). Cytogenetic location: 2q31.2.
Variant type: single nucleotide variant.
Coding change: c.21107A>T on transcript NM_001267550.2 (MANE Select); coding-DNA position 21107, A replaced by T.
Protein change: p.Asp7036Val; replaces aspartic acid 7036 with valine.
Molecular consequence: missense variant. On other transcripts: intron variant (3).
Genome position (GRCh38, 1-based): chr2:178,724,268, T>A on the plus strand (A>T on the coding strand, the complement: TTN is on the minus strand). VCF-style: chr2-178724268-T-A. GRCh37 (hg19) VCF-style: chr2-179588995-T-A.
Other names: c.20156A>T, p.Asp6719Val (NM_001256850.1); c.17375A>T, p.Asp5792Val (NM_133378.4); c.13282+13814A>T (NM_003319.4); c.13858+13814A>T (NM_133437.4); c.13657+13814A>T (NM_133432.3); short protein forms D5792V, D6719V, D7036V.
Identifiers: ClinVar variation 1696005 (VCV001696005.4), dbSNP rs767695386, ClinGen allele CA2001083.